The following is an entry in ClinVar:

NM_006648.4(WNK2):c.6557C>G (p.Pro2186Arg)

Gene: WNK2 (WNK lysine deficient protein kinase 2; plus strand). Cytogenetic location: 9q22.31.
Variant type: single nucleotide variant.
Coding change: c.6557C>G on transcript NM_006648.4 (MANE Select); coding-DNA position 6557, C replaced by G.
Protein change: p.Pro2186Arg; replaces proline 2186 with arginine.
Molecular consequence: missense variant.
Genome position (GRCh38, 1-based): chr9:93,317,560, C>G. VCF-style: chr9-93317560-C-G. GRCh37 (hg19) VCF-style: chr9-96079842-C-G.
Other names: c.6668C>G, p.Pro2223Arg (NM_001282394.3); short protein forms P2186R, P2223R.
Identifiers: ClinVar variation 3816838 (VCV003816838.1).

ClinVar aggregate classification (germline): Uncertain significance (1 of 4 stars; one submission).

gnomAD v4.1: 1 of 1,613,650 alleles (0.000062%); highest among the groups gnomAD compares: Middle Eastern, 0.017%; no homozygotes.

Submission:

Ambry Genetics
Classification: Uncertain significance. Last evaluated: 2025-01-14. Review status: criteria provided, single submitter. Criteria: Ambry Variant Classification Scheme 2023. Collection method: clinical testing. Allele origin: germline.
Comment: The p.P2186R variant (also known as c.6557C>G), located in coding exon 28 of the WNK2 gene, results from a C to G substitution at nucleotide position 6557. The proline at codon 2186 is replaced by arginine, an amino acid with dissimilar properties. This amino acid position is conserved. In addition, this alteration is predicted to be tolerated by in silico analysis. Based on the available evidence, the clinical significance of this variant remains unclear.